The following is an entry in ClinVar:

NM_017780.4(CHD7):c.3036G>C (p.Leu1012Phe)

Gene: CHD7 (chromodomain helicase DNA binding protein 7; plus strand). Cytogenetic location: 8q12.2.
Variant type: single nucleotide variant.
Coding change: c.3036G>C on transcript NM_017780.4 (MANE Select); coding-DNA position 3036, G replaced by C.
Protein change: p.Leu1012Phe; replaces leucine 1012 with phenylalanine.
Molecular consequence: missense variant. On other transcripts: intron variant (1).
Genome position (GRCh38, 1-based): chr8:60,822,581, G>C. VCF-style: chr8-60822581-G-C. GRCh37 (hg19) VCF-style: chr8-61735140-G-C.
Other names: c.1717-39648G>C (NM_001316690.1); short protein forms L1012F.
Identifiers: ClinVar variation 1014014 (VCV001014014.8), dbSNP rs1804095307, ClinGen allele CA371309409.

ClinVar aggregate classification (germline): Uncertain significance (1 of 4 stars; one submission).

Conditions:
CHARGE syndrome (CHARGE). Also called: Hittner Hirsch Kreh syndrome; Coloboma, heart anomaly, choanal atresia, retardation, genital and ear anomalies; CHARGE association; Hall-Hittner syndrome; CHARGE ASSOCIATION--COLOBOMA, HEART ANOMALY, CHOANAL ATRESIA, RETARDATION, GENITAL AND EAR ANOMALIES. Identifiers: Orphanet 138, MedGen C0265354, MONDO:0008965.

Submission:

Labcorp Genetics (formerly Invitae), Labcorp
Classification: Uncertain significance for CHARGE syndrome. Last evaluated: 2025-12-01. Review status: criteria provided, single submitter. Criteria: Invitae Variant Classification Sherloc (09022015). Collection method: clinical testing. Allele origin: germline.
Comment: This sequence change replaces leucine, which is neutral and non-polar, with phenylalanine, which is neutral and non-polar, at codon 1012 of the CHD7 protein (p.Leu1012Phe). This variant is not present in population databases (gnomAD no frequency). This variant has not been reported in the literature in individuals affected with CHD7-related conditions. ClinVar contains an entry for this variant (Variation ID: 1014014). Invitae Evidence Modeling of protein sequence and biophysical properties (such as structural, functional, and spatial information, amino acid conservation, physicochemical variation, residue mobility, and thermodynamic stability) has been performed for this missense variant. However, the output from this modeling did not meet the statistical confidence thresholds required to predict the impact of this variant on CHD7 protein function. In summary, the available evidence is currently insufficient to determine the role of this variant in disease. Therefore, it has been classified as a Variant of Uncertain Significance.